The following is an entry in ClinVar:

NM_000089.4(COL1A2):c.1045G>T (p.Gly349Cys)

Gene: COL1A2 (collagen type I alpha 2 chain; plus strand). Cytogenetic location: 7q21.3.
Variant type: single nucleotide variant.
Coding change: c.1045G>T on transcript NM_000089.4 (MANE Select); coding-DNA position 1045, G replaced by T.
Protein change: p.Gly349Cys; replaces glycine 349 with cysteine.
Molecular consequence: missense variant.
Genome position (GRCh38, 1-based): chr7:94,410,251, G>T. VCF-style: chr7-94410251-G-T. GRCh37 (hg19) VCF-style: chr7-94039563-G-T.
Other names: short protein forms G349C.
Identifiers: ClinVar variation 526898 (VCV000526898.9), dbSNP rs66773001, ClinGen allele CA162920757.
Genomic context (GRCh38, chr7:94,410,251, plus strand): 5'-GAGTTTCAACAAATGTTTGTCCTTTGACCACTGTTCTGTATTGAACCCTAGGGTGAGCCT[G>T]GTCCAGCTGGCTCCAAAGGAGAGAGCGGTAACAAGGGTGAGCCCGTAAGTAGCTCTATCA-3'
Protein context (NP_000080.2, residues 339-359): TGARGLVGEP[Gly349Cys]PAGSKGESGN

ClinVar aggregate classification (germline): Pathogenic. Review status: criteria provided, multiple submitters, no conflicts (2 of 4 stars). 2 submissions from 2 submitters: Pathogenic (2). Last evaluated 2022-02-03.

Conditions:
Ehlers-Danlos syndrome, classic type, 1 (EDSCL1). Also called: EDS I; EHLERS-DANLOS SYNDROME, GRAVIS TYPE; Ehlers-Danlos syndrome, type 1; Ehlers-Danlos Syndrome, Classic Type, COL5A1-Related; EHLERS-DANLOS SYNDROME, SEVERE CLASSIC TYPE. Identifiers: MedGen C0268335, MONDO:0019567, OMIM 130000.
Osteogenesis imperfecta type I (OI1). Also called: OSTEOGENESIS IMPERFECTA TARDA; OSTEOGENESIS IMPERFECTA WITH BLUE SCLERAE; Lobstein disease; Lobstein's Disease; Classic Non-deforming Osteogenesis Imperfecta with Blue Sclerae; OI, TYPE I. Identifiers: Orphanet 216796, Orphanet 666, MedGen C0023931, MONDO:0008146, OMIM 166200. Disease mechanism: loss of function.
COL1A2-related disorder. Also called: COL1A2-Related Disorders; COL1A2-related condition.

Submissions (2):

Labcorp Genetics (formerly Invitae), Labcorp
Classification: Pathogenic for Osteogenesis imperfecta type I; Ehlers-Danlos syndrome, classic type, 1. Last evaluated: 2022-02-03. Review status: criteria provided, single submitter. Criteria: Invitae Variant Classification Sherloc (09022015). Collection method: clinical testing. Allele origin: germline.
Comment: This variant is not present in population databases (gnomAD no frequency). This sequence change replaces glycine, which is neutral and non-polar, with cysteine, which is neutral and slightly polar, at codon 349 of the COL1A2 protein (p.Gly349Cys). For these reasons, this variant has been classified as Pathogenic. This variant disrupts the triple helix domain of COL1A2. Glycine residues within the Gly-Xaa-Yaa repeats of the triple helix domain are required for the structure and stability of fibrillar collagens (PMID: 7695699, 8218237, 19344236). In COL1A2, variants affecting these glycine residues are significantly enriched in individuals with disease (PMID: 9016532, 17078022) compared to the general population (ExAC). Advanced modeling of protein sequence and biophysical properties (such as structural, functional, and spatial information, amino acid conservation, physicochemical variation, residue mobility, and thermodynamic stability) performed at Invitae indicates that this missense variant is expected to disrupt COL1A2 protein function. ClinVar contains an entry for this variant (Variation ID: 526898). This missense change has been observed in individual(s) with osteogenesis imperfecta (PMID: 1990009, 27509835, 29499418). In at least one individual the variant was observed to be de novo.

Blueprint Genetics
Classification: Pathogenic for COL1A2-related disorders. Last evaluated: 2019-06-18. Review status: criteria provided, single submitter. Criteria: ACMG Guidelines, 2015. Collection method: clinical testing. Allele origin: germline. Affected: yes. Observed: 1 variant allele.

Literature cited by the submitters: PubMed 7695699 (cited by Labcorp Genetics (formerly Invitae), Labcorp); PubMed 8218237 (cited by Labcorp Genetics (formerly Invitae), Labcorp); PubMed 19344236 (cited by Labcorp Genetics (formerly Invitae), Labcorp); PubMed 9016532 (cited by Labcorp Genetics (formerly Invitae), Labcorp); PubMed 17078022 (cited by Labcorp Genetics (formerly Invitae), Labcorp); PubMed 1990009 (cited by Labcorp Genetics (formerly Invitae), Labcorp); PubMed 27509835 (cited by Labcorp Genetics (formerly Invitae), Labcorp); PubMed 29499418 (cited by Labcorp Genetics (formerly Invitae), Labcorp).